The following is an entry in ClinVar:

NM_031407.7(HUWE1):c.10434C>T (p.Ser3478=)

Gene: HUWE1 (HECT, UBA and WWE domain containing E3 ubiquitin protein ligase 1; minus strand). Cytogenetic location: Xp11.22.
Variant type: single nucleotide variant.
Coding change: c.10434C>T on transcript NM_031407.7 (MANE Select); coding-DNA position 10434, C replaced by T.
Protein change: p.Ser3478=; no amino-acid change (serine 3478 retained).
Molecular consequence: synonymous variant.
Genome position (GRCh38, 1-based): chrX:53,547,875, G>A on the plus strand (C>T on the coding strand, the complement: HUWE1 is on the minus strand). VCF-style: chrX-53547875-G-A. GRCh37 (hg19) VCF-style: chrX-53574836-G-A.
Identifiers: ClinVar variation 588467 (VCV000588467.18), dbSNP rs782089185, ClinGen allele CA10421545.
Genomic context (GRCh38, chrX:53,547,875, plus strand): 5'-GGCGGCAGTGGTGGTGGTGGTAGATGTGGTTGAGGTGGCAGTGGTGGTGGAGGAAGCACC[G>A]CTGCCAGAATTAGCCTGTGCTTCTGACACCTTGTTTTCTGGGAGAGCAATTGAGATGAGA-3'
Protein context (NP_113584.3, residues 3468-3488): KVSEAQANSG[Ser3478=]GASSTTTATS

ClinVar aggregate classification (germline): Benign/Likely benign. Review status: criteria provided, multiple submitters, no conflicts (2 of 4 stars). 5 submissions from 5 submitters: Benign (3); Likely benign (1). 1 of the submissions does not count toward it. Last evaluated 2025-04-22.

Conditions:
Inborn genetic diseases. Identifiers: MedGen C0950123, MeSH D030342.
HUWE1-related disorder. Also called: HUWE1-related condition.

Allele frequency attached by ClinVar (database versions not stated): gnomAD below 0.00001 and 0.00018; TOPMed 0.00005; gnomAD exomes 0.00092; ExAC 0.00125; 1000 Genomes Project 30x 0.00146; 1000 Genomes Project 0.00185.
gnomAD v4.1: 489 of 1,205,275 alleles (0.041%); highest among the groups gnomAD compares: South Asian, 0.83%; 1 homozygote.

Submissions (5):

Labcorp Genetics (formerly Invitae), Labcorp
Classification: Benign. Last evaluated: 2025-04-22. Review status: criteria provided, single submitter. Criteria: Invitae Variant Classification Sherloc (09022015). Collection method: clinical testing. Allele origin: germline.

Blueprint Genetics
Classification: Likely benign. Last evaluated: 2024-10-15. Review status: criteria provided, single submitter. Criteria: ACMG Guidelines, 2015. Collection method: clinical testing. Allele origin: germline.

GeneDx
Classification: Benign. Last evaluated: 2020-08-24. Review status: criteria provided, single submitter. Criteria: GeneDx Variant Classification Process June 2021. Collection method: clinical testing. Allele origin: germline. Affected: yes.

Ambry Genetics
Classification: Benign for Inborn genetic diseases. Last evaluated: 2016-11-18. Review status: criteria provided, single submitter. Criteria: Ambry Variant Classification Scheme 2023. Collection method: clinical testing. Allele origin: germline.

PreventionGenetics, part of Exact Sciences
Classification: Benign for HUWE1-related condition. Last evaluated: 2019-04-10. Review status: no assertion criteria provided. Collection method: clinical testing. Allele origin: germline. Not counted in ClinVar's aggregate classification.
Comment: This variant is classified as benign based on ACMG/AMP sequence variant interpretation guidelines (Richards et al. 2015 PMID: 25741868, with internal and published modifications).